The following is an entry in ClinVar:

NM_005359.6(SMAD4):c.875del (p.Pro292fs)

Gene: SMAD4 (SMAD family member 4; plus strand). Cytogenetic location: 18q21.2.
Variant type: Deletion.
Coding change: c.875del on transcript NM_005359.6 (MANE Select); coding-DNA position 875, one base deleted (C; older notation c.875delC).
Protein change: p.Pro292fs; shifts the reading frame from proline 292.
Molecular consequence: frameshift variant. On other transcripts: non-coding transcript variant (2).
Genome position (GRCh38, 1-based): chr18:51,058,427, C deleted; the last of 3 consecutive C bases (chr18:51,058,425-51,058,427); deleting any one gives the same sequence. VCF-style (leftmost placement, unchanged base first): chr18-51058424-AC-A. GRCh37 (hg19) VCF-style: chr18-48584794-AC-A.
Other names: c.875del, p.Pro292fs (NM_001407041.1, NM_001407042.1, NM_001407043.1); short protein forms P292fs.
Identifiers: ClinVar variation 2626886 (VCV002626886.2), dbSNP rs2511377408, ClinGen allele CA645609146.
Genomic context (GRCh38, chr18:51,058,424, plus strand): 5'-GTAGGACTGCACCATACACACCTAATTTGCCTCACCACCAAAACGGCCATCTTCAGCACC[AC>A]CCGCCTATGCCGCCCCATCCCGGACATTACTGTAAGCTCTTGTTTTTGTTGTAAGGGCTA-3'

ClinVar aggregate classification (germline): Pathogenic/Likely pathogenic. Review status: criteria provided, multiple submitters, no conflicts (2 of 4 stars). 2 submissions from 2 submitters: Pathogenic (1); Likely pathogenic (1). Last evaluated 2023-11-07.

Conditions:
Myhre syndrome (MYHRS). Also called: LARYNGOTRACHEAL STENOSIS, ARTHROPATHY, PROGNATHISM, AND SHORT STATURE; LAPS SYNDROME. Identifiers: Orphanet 2588, MedGen C0796081, MONDO:0007688, OMIM 139210.
Juvenile polyposis/hereditary hemorrhagic telangiectasia syndrome (JPHT). Also called: JP/HHT SYNDROME; JUVENILE POLYPOSIS WITH HEREDITARY HEMORRHAGIC TELANGIECTASIA; POLYPOSIS, GENERALIZED JUVENILE, WITH PULMONARY ARTERIOVENOUS MALFORMATION; TELANGIECTASIA, HEREDITARY HEMORRHAGIC, WITH JUVENILE POLYPOSIS COLI; Juvenile Polyposis Syndrome / Hereditary Hemorrhagic Telangiectasia (JPS/HHT). Identifiers: Orphanet 2929, MedGen C1832942, MONDO:0008278, OMIM 175050.

Submissions (2):

Myriad Genetics, Inc.
Classification: Pathogenic for Juvenile polyposis/hereditary hemorrhagic telangiectasia syndrome. Last evaluated: 2023-11-07. Review status: criteria provided, single submitter. Criteria: Myriad Autosomal Dominant, Autosomal Recessive and X-Linked Classification Criteria (2023). Collection method: clinical testing. Allele origin: unknown.
Comment: This variant is considered pathogenic. This variant creates a frameshift predicted to result in premature protein truncation.

Greenwood Genetic Center Diagnostic Laboratories, Greenwood Genetic Center
Classification: Likely pathogenic for Myhre syndrome. Last evaluated: 2023-08-14. Review status: criteria provided, single submitter. Criteria: ACMG Guidelines, 2015. Collection method: clinical testing. Allele origin: germline.
Comment: PVS1, PM2